The following is an entry in ClinVar:

ClinVar aggregate classification (germline): Uncertain significance. Review status: reviewed by expert panel (3 of 4 stars). 3 submissions from 3 submitters: Uncertain significance (1). 2 of the submissions do not count toward it. Last evaluated 2023-06-15.

Conditions:
Angelman syndrome (AS). Also called: HAPPY PUPPET SYNDROME. Identifiers: Orphanet 72, MedGen C0162635, MONDO:0007113, OMIM 105830. Disease mechanism: loss of function. Inheritance: imprinting disorder, AS is caused by disruption of maternally imprinted UBE3A located within the 15q11.2-q13 Angelman syndrome/Prader-Willi syndrome (AS/PWS) region..

Allele frequency attached by ClinVar (database versions not stated): TOPMed 0.00002.

Submissions (3):

ClinGen Rett and Angelman-like Disorders Variant Curation Expert Panel
Classification: Uncertain significance for Angelman syndrome. Last evaluated: 2023-06-15. Review status: reviewed by expert panel. Criteria: ClinGen RettAS ACMG Specifications UBE3A V4.0.0. Collection method: curation. Allele origin: germline. Inheritance: Autosomal dominant inheritance.
Comment: The c.532G>T p.Ala178Ser variant in UBE3A (NM_130838.2) is present in gnomAD v2.1.1 at a frequency of 0.0023% in the European (non-Finnish) sub population (no criteria met). Computational analysis prediction tools suggest that the p.Ala178Ser variant does not have a deleterious impact; however this information does not predict clinical significance on its own. In summary, the c.926A>G p.Asn309Ser variant in UBE3A is classified as a Variant of Uncertain Significance based on the ACMG/AMP criteria (BP4).

Labcorp Genetics (formerly Invitae), Labcorp
Classification: Uncertain significance for Angelman syndrome. Last evaluated: 2026-02-02. Review status: criteria provided, single submitter. Criteria: Invitae Variant Classification Sherloc (09022015). Collection method: clinical testing. Allele origin: germline. Not counted in ClinVar's aggregate classification.
Comment: This sequence change replaces alanine, which is neutral and non-polar, with serine, which is neutral and polar, at codon 178 of the UBE3A protein (p.Ala178Ser). This variant is present in population databases (no rsID available, gnomAD 0.002%). This variant has not been reported in the literature in individuals affected with UBE3A-related conditions. ClinVar contains an entry for this variant (Variation ID: 850340). Invitae Evidence Modeling of protein sequence and biophysical properties (such as structural, functional, and spatial information, amino acid conservation, physicochemical variation, residue mobility, and thermodynamic stability) has been performed for this missense variant. However, the output from this modeling did not meet the statistical confidence thresholds required to predict the impact of this variant on UBE3A protein function. In summary, the available evidence is currently insufficient to determine the role of this variant in disease. Therefore, it has been classified as a Variant of Uncertain Significance.

GeneDx
Classification: Likely benign. Last evaluated: 2019-04-26. Review status: criteria provided, single submitter. Criteria: GeneDx Variant Classification Process June 2021. Collection method: clinical testing. Allele origin: germline. Affected: yes. Not counted in ClinVar's aggregate classification.

NM_130839.5(UBE3A):c.592G>T (p.Ala198Ser)

Genes: SNHG14 (small nucleolar RNA host gene 14; plus strand), UBE3A (ubiquitin protein ligase E3A; minus strand). Cytogenetic location: 15q11.2.
Variant type: single nucleotide variant.
Coding change: c.592G>T on transcript NM_130839.5 (MANE Select); coding-DNA position 592, G replaced by T.
Protein change: p.Ala198Ser; replaces alanine 198 with serine.
Molecular consequence: missense variant. On other transcripts: non-coding transcript variant (1), intron variant (2).
Genome position (GRCh38, 1-based): chr15:25,371,582, C>A on the plus strand (G>T on the coding strand, the complement: UBE3A is on the minus strand). VCF-style: chr15-25371582-C-A. GRCh37 (hg19) VCF-style: chr15-25616729-C-A.
Other names: NM_130839.5(UBE3A):c.592G>T; p.Ala198Ser; c.601G>T, p.Ala201Ser (NM_000462.5); c.592G>T, p.Ala198Ser (NM_001354505.1, NM_001354538.2, NM_001354545.2); c.532G>T, p.Ala178Ser (NM_001354506.2, NM_001354507.2, NM_001354508.2 and 17 more transcripts); c.415G>T, p.Ala139Ser (NM_001354546.2); c.301+3883G>T (NM_001354551.2); c.361+3883G>T (NM_001354550.2); short protein forms A178S, A201S, A139S, A198S.
Identifiers: ClinVar variation 850340 (VCV000850340.11), dbSNP rs147145506, ClinGen allele CA267785992.